The following is an entry in ClinVar:

ClinVar aggregate classification (germline): Likely benign (1 of 4 stars; one submission).

Submission:

CeGaT Center for Human Genetics Tuebingen
Classification: Likely benign. Last evaluated: 2025-10-01. Review status: criteria provided, single submitter. Criteria: CeGaT Center For Human Genetics Tuebingen Variant Classification Criteria Version 2. Collection method: clinical testing. Allele origin: germline. Affected: yes. Observed: 1 variant allele.
Comment: FAM230A: BP4, BP7

NC_000022.11:g.20356666A>G

Variant type: single nucleotide variant.
Genome position: GRCh38 VCF-style: chr22-20356666-A-G. GRCh37 (hg19) VCF-style: chr22-20710956-A-G.
Identifiers: ClinVar variation 4534094 (VCV004534094.6).